The following is an entry in ClinVar:

NM_138711.6(PPARG):c.133A>C (p.Thr45Pro)

Gene: PPARG (peroxisome proliferator activated receptor gamma; plus strand). Cytogenetic location: 3p25.2.
Variant type: single nucleotide variant.
Coding change: c.133A>C on transcript NM_138711.6 (MANE Select); coding-DNA position 133, A replaced by C.
Protein change: p.Thr45Pro; replaces threonine 45 with proline.
Molecular consequence: missense variant. On other transcripts: 5 prime UTR variant (1).
Genome position (GRCh38, 1-based): chr3:12,379,844, A>C. VCF-style: chr3-12379844-A-C. GRCh37 (hg19) VCF-style: chr3-12421343-A-C.
Other names: c.133A>C, p.Thr45Pro (NM_001374262.3, NM_001374263.2, NM_001374264.2 and 6 more transcripts); c.223A>C, p.Thr75Pro (NM_001374265.1, NM_015869.5, NM_001354668.2); c.139A>C, p.Thr47Pro (NM_001374266.1, NM_001354670.2); c.-295A>C (NM_001354669.2); short protein forms T45P, T47P, T75P.
Identifiers: ClinVar variation 3350626 (VCV003350626.3).

ClinVar aggregate classification (germline): Uncertain significance. Review status: criteria provided, multiple submitters, no conflicts (2 of 4 stars). 2 submissions from 2 submitters: Uncertain significance (2). Last evaluated 2025-10-22.

Conditions:
PPARG-related disorder. Also called: PPARG-related disorders; PPARG-related condition.
Type 2 diabetes mellitus. Also called: Type II diabetes mellitus. Identifiers: MedGen C0011860, MeSH D003924, MONDO:0005148, OMIM 125853, HP:0005978.
PPARG-related familial partial lipodystrophy. Also called: LIPODYSTROPHY, FAMILIAL PARTIAL, ASSOCIATED WITH PPARG MUTATIONS. Identifiers: Orphanet 79083, MedGen C1720861, MONDO:0011448, OMIM 604367.

gnomAD v4.1: 10 of 1,613,798 alleles (0.00062%); highest among the groups gnomAD compares: Admixed American, 0.017%; no homozygotes.

Submissions (2):

PreventionGenetics, part of Exact Sciences
Classification: Uncertain significance for PPARG-related condition. Last evaluated: 2025-10-22. Review status: criteria provided, single submitter. Criteria: ACMG Guidelines, 2015. Collection method: clinical testing. Allele origin: germline.
Comment: The PPARG c.223A>C variant is predicted to result in the amino acid substitution p.Thr75Pro. This variant has been reported in three cases and one control from a type 2 diabetes mellitus cohort study (Majithia et al. 2014. PubMed ID: 25157153). This variant is reported in 0.012% of alleles in individuals of Latino descent in gnomAD. At this time, the clinical significance of this variant is uncertain due to the absence of conclusive functional and genetic evidence.

Clinical Genomics Laboratory, Washington University in St. Louis
Classification: Uncertain significance for PPARG-related familial partial lipodystrophy; Type 2 diabetes mellitus. Last evaluated: 2025-09-02. Review status: criteria provided, single submitter. Criteria: ACMG Guidelines, 2015. Collection method: clinical testing. Allele origin: germline.
Comment: The PPARG c.133A>C (p.Thr45Pro) variant, to our knowledge, has not been reported in the medical literature but has been reported in the ClinVar database as a germline variant of uncertain significance by one submitter. This variant is only observed on 5/250,884 alleles in the general population (gnomAD v.2.1.1), indicating it is not a common variant. Computational predictors suggest that the variant does not impact PPARG function; however, this gene is constrained for missense variation (gnomAD browser). Due to limited information, and based on ACMG/AMP guidelines for variant interpretation (Richards S et al., PMID: 25741868), the clinical significance of this variant is uncertain at this time.